The following is an entry in ClinVar:

ClinVar aggregate classification (germline): Likely benign (1 of 4 stars; one submission).

Allele frequency attached by ClinVar (database versions not stated): 1000 Genomes Project 30x 0.01515; 1000 Genomes Project 0.01577; TOPMed 0.02155; gnomAD 0.02208 and 0.02228.
gnomAD v4.1: 3,354 of 152,296 alleles (2.2%); highest among the groups gnomAD compares: Non-Finnish European, 3.5%; 50 homozygotes.

Submission:

GeneDx
Classification: Likely benign. Last evaluated: 2018-06-19. Review status: criteria provided, single submitter. Criteria: GeneDx Variant Classification (06012015). Collection method: clinical testing. Allele origin: germline. Affected: yes.
Comment: This variant is considered likely benign or benign based on one or more of the following criteria: it is a conservative change, it occurs at a poorly conserved position in the protein, it is predicted to be benign by multiple in silico algorithms, and/or has population frequency not consistent with disease.

NM_182961.4(SYNE1):c.5268-185T>C

Gene: SYNE1 (spectrin repeat containing nuclear envelope protein 1; minus strand). Cytogenetic location: 6q25.2.
Variant type: single nucleotide variant.
Coding change: c.5268-185T>C on transcript NM_182961.4 (MANE Select); 185 bases into the intron before coding-DNA position 5268, T replaced by C.
Molecular consequence: intron variant.
Genome position (GRCh38, 1-based): chr6:152,419,907, A>G on the plus strand (T>C on the coding strand, the complement: SYNE1 is on the minus strand). VCF-style: chr6-152419907-A-G. GRCh37 (hg19) VCF-style: chr6-152741042-A-G.
Other names: c.5289-185T>C (NM_033071.5).
Identifiers: ClinVar variation 677363 (VCV000677363.1), dbSNP rs80069832, ClinGen allele CA150209629.
Genomic context (GRCh38, chr6:152,419,907, plus strand): 5'-CTCTTGATATTTTTTACTTCCCAAACCCTGCTTTACTCACAATCTTCCCTGTCTCAGTGA[A>G]CATTGCCACCATTCACCCTGTTGGTCCTATGAGGCACTCTTCATCTTGTCCTTTCTTTAC-3'